The following is an entry in ClinVar:

NM_005228.5(EGFR):c.1978G>A (p.Val660Met)

Gene: EGFR (epidermal growth factor receptor; plus strand). Cytogenetic location: 7p11.2.
Variant type: single nucleotide variant.
Coding change: c.1978G>A on transcript NM_005228.5 (MANE Select); coding-DNA position 1978, G replaced by A.
Protein change: p.Val660Met; replaces valine 660 with methionine.
Molecular consequence: missense variant.
Genome position (GRCh38, 1-based): chr7:55,173,041, G>A. VCF-style: chr7-55173041-G-A. GRCh37 (hg19) VCF-style: chr7-55240734-G-A.
Other names: c.1843G>A, p.Val615Met (NM_001346897.2, NM_001346899.2); c.1978G>A, p.Val660Met (NM_001346898.2); c.1819G>A, p.Val607Met (NM_001346900.2); c.1177G>A, p.Val393Met (NM_001346941.2); short protein forms V393M, V607M, V615M, V660M.
Identifiers: ClinVar variation 936987 (VCV000936987.8), dbSNP rs1426364365, ClinGen allele CA367583053.
Genomic context (GRCh38, chr7:55,173,041, plus strand): 5'-AGGCCTAAGATCCCGTCCATCGCCACTGGGATGGTGGGGGCCCTCCTCTTGCTGCTGGTG[G>A]TGGCCCTGGGGATCGGCCTCTTCATGCGAAGGCGCCACATCGTTCGGAAGCGCACGCTGC-3'
Protein context (NP_005219.2, residues 650-670): MVGALLLLLV[Val660Met]ALGIGLFMRR

ClinVar aggregate classification (germline): Uncertain significance. Review status: criteria provided, multiple submitters, no conflicts (2 of 4 stars). 2 submissions from 2 submitters: Uncertain significance (2). Last evaluated 2026-01-28.

Conditions:
Hereditary cancer-predisposing syndrome. Also called: Tumor predisposition; Hereditary neoplastic syndrome; Hereditary Cancer Syndrome; Neoplastic Syndromes, Hereditary. Identifiers: Orphanet 140162, MedGen C0027672, MeSH D009386, MONDO:0015356.
EGFR-related lung cancer (EGFR). Identifiers: MedGen CN130014.

Allele frequency attached by ClinVar (database versions not stated): gnomAD 0.00001; gnomAD exomes 0.00001; TOPMed 0.00003.
gnomAD v4.1: 21 of 1,613,896 alleles (0.0013%); highest among the groups gnomAD compares: Non-Finnish European, 0.0016%; no homozygotes.

Submissions (2):

Labcorp Genetics (formerly Invitae), Labcorp
Classification: Uncertain significance for EGFR-related lung cancer. Last evaluated: 2026-01-28. Review status: criteria provided, single submitter. Criteria: Invitae Variant Classification Sherloc (09022015). Collection method: clinical testing. Allele origin: germline.
Comment: This sequence change replaces valine, which is neutral and non-polar, with methionine, which is neutral and non-polar, at codon 660 of the EGFR protein (p.Val660Met). This variant is present in population databases (no rsID available, gnomAD 0.002%). This variant has not been reported in the literature in individuals affected with EGFR-related conditions. ClinVar contains an entry for this variant (Variation ID: 936987). An algorithm developed to predict the effect of missense changes on protein structure and function outputs the following: PolyPhen-2: "Benign". The methionine amino acid residue is found in multiple mammalian species, which suggests that this missense change does not adversely affect protein function. In summary, the available evidence is currently insufficient to determine the role of this variant in disease. Therefore, it has been classified as a Variant of Uncertain Significance.

Ambry Genetics
Classification: Uncertain significance for Hereditary cancer-predisposing syndrome. Last evaluated: 2024-12-12. Review status: criteria provided, single submitter. Criteria: Ambry Variant Classification Scheme 2023. Collection method: clinical testing. Allele origin: germline.
Comment: The p.V660M variant (also known as c.1978G>A), located in coding exon 17 of the EGFR gene, results from a G to A substitution at nucleotide position 1978. The valine at codon 660 is replaced by methionine, an amino acid with highly similar properties. This amino acid position is conserved. In addition, this alteration is predicted to be tolerated by in silico analysis. Based on the available evidence, the clinical significance of this variant remains unclear.